The following is an entry in ClinVar:

ClinVar aggregate classification (germline): Likely benign. Review status: criteria provided, multiple submitters, no conflicts (2 of 4 stars). 4 submissions from 4 submitters: Likely benign (2). 2 of the submissions do not count toward it. Last evaluated 2022-12-01.

Allele frequency attached by ClinVar (database versions not stated): gnomAD exomes 0.00052 and 0.00084; ExAC 0.00054; ESP Exome Variant Server 0.00054; gnomAD 0.00060 and 0.00063; TOPMed 0.00064.
gnomAD v4.1: 1,320 of 1,614,128 alleles (0.082%); highest among the groups gnomAD compares: Non-Finnish European, 0.098%; 1 homozygote.

Submissions (4):

CeGaT Center for Human Genetics Tuebingen
Classification: Likely benign. Last evaluated: 2022-12-01. Review status: criteria provided, single submitter. Criteria: CeGaT Center For Human Genetics Tuebingen Variant Classification Criteria Version 2. Collection method: clinical testing. Allele origin: germline. Affected: yes. Observed: 2 variant alleles.
Comment: TNR: BP4, BP7

Labcorp Genetics (formerly Invitae), Labcorp
Classification: Likely benign. Last evaluated: 2019-12-31. Review status: criteria provided, single submitter. Criteria: Invitae Variant Classification Sherloc (09022015). Collection method: clinical testing. Allele origin: germline.

Clinical Genetics DNA and cytogenetics Diagnostics Lab, Erasmus MC, Erasmus Medical Center
Classification: Likely benign. Review status: no assertion criteria provided. Collection method: clinical testing. Allele origin: germline. Affected: yes. Study: VKGL Data-share Consensus. Not counted in ClinVar's aggregate classification.

Genome Diagnostics Laboratory, Amsterdam University Medical Center
Classification: Likely benign. Review status: no assertion criteria provided. Collection method: clinical testing. Allele origin: germline. Affected: yes. Study: VKGL Data-share Consensus. Not counted in ClinVar's aggregate classification.

NM_003285.3(TNR):c.1188C>T (p.Tyr396=)

Gene: TNR (tenascin R; minus strand). Cytogenetic location: 1q25.1.
Variant type: single nucleotide variant.
Coding change: c.1188C>T on transcript NM_003285.3 (MANE Select); coding-DNA position 1188, C replaced by T.
Protein change: p.Tyr396=; no amino-acid change (tyrosine 396 retained).
Molecular consequence: synonymous variant.
Genome position (GRCh38, 1-based): chr1:175,396,596, G>A on the plus strand (C>T on the coding strand, the complement: TNR is on the minus strand). VCF-style: chr1-175396596-G-A. GRCh37 (hg19) VCF-style: chr1-175365732-G-A.
Other names: c.189C>T, p.Tyr63= (NM_001328635.2).
Identifiers: ClinVar variation 718798 (VCV000718798.30), dbSNP rs138698493, ClinGen allele CA1256005.
Genomic context (GRCh38, chr1:175,396,596, plus strand): 5'-GTACGTACGGGTGGCCACCTTGGCAGTGATGGGAAGGCTGAGGATGTTGCTAATGACAGC[G>A]TAGACGCTGATGTTGTAGGTGAGACCTGGCTCCAGCTCCGTGATGGTGACACCACTCCAA-3'
Protein context (NP_003276.3, residues 386-406): EPGLTYNISV[Tyr396=]AVISNILSLP